The following is an entry in ClinVar:

ClinVar aggregate classification (germline): Likely benign (1 of 4 stars; one submission).

Allele frequency attached by ClinVar (database versions not stated): gnomAD 0.02044 and 0.02124; 1000 Genomes Project 30x 0.01983; 1000 Genomes Project 0.01957; TOPMed 0.02305.

Submission:

GeneDx
Classification: Likely benign. Last evaluated: 2018-06-14. Review status: criteria provided, single submitter. Criteria: GeneDx Variant Classification (06012015). Collection method: clinical testing. Allele origin: germline. Affected: yes.
Comment: This variant is considered likely benign or benign based on one or more of the following criteria: it is a conservative change, it occurs at a poorly conserved position in the protein, it is predicted to be benign by multiple in silico algorithms, and/or has population frequency not consistent with disease.

NM_033337.2(CAV3):c.-348G>A

Gene: CAV3 (caveolin 3; plus strand). Cytogenetic location: 3p25.3.
Variant type: single nucleotide variant.
Coding change: c.-348G>A on transcript NM_033337.2; 348 bases upstream of the start codon, G replaced by A.
Genome position (GRCh38, 1-based): chr3:8,733,529, G>A. VCF-style: chr3-8733529-G-A. GRCh37 (hg19) VCF-style: chr3-8775215-G-A.
Identifiers: ClinVar variation 669816 (VCV000669816.3), dbSNP rs72546663, ClinGen allele CA69861662.